The following is an entry in ClinVar:

ClinVar aggregate classification (germline): Likely benign (1 of 4 stars; one submission).

gnomAD v4.1: 5,461 of 1,613,934 alleles (0.34%); highest among the groups gnomAD compares: Middle Eastern, 0.92%; 18 homozygotes.

Submission:

CeGaT Center for Human Genetics Tuebingen
Classification: Likely benign. Last evaluated: 2026-09-01. Review status: criteria provided, single submitter. Criteria: CeGaT Center For Human Genetics Tuebingen Variant Classification Criteria Version 2. Collection method: clinical testing. Allele origin: germline. Affected: yes. Observed: 10 variant alleles.
Comment: LRRC19: BP4, BS2

NM_022901.3(LRRC19):c.353T>C (p.Leu118Ser)

Genes: IFT74 (intraflagellar transport 74; plus strand), LRRC19 (leucine rich repeat containing 19; minus strand). Cytogenetic location: 9p21.2.
Variant type: single nucleotide variant.
Coding change: c.353T>C on transcript NM_022901.3 (MANE Select); coding-DNA position 353, T replaced by C.
Protein change: p.Leu118Ser; replaces leucine 118 with serine.
Molecular consequence: missense variant. On other transcripts: intron variant (5).
Genome position (GRCh38, 1-based): chr9:26,997,970, A>G on the plus strand (T>C on the coding strand, the complement: LRRC19 is on the minus strand). VCF-style: chr9-26997970-A-G. GRCh37 (hg19) VCF-style: chr9-26997968-A-G.
Other names: c.587+7775A>G (NM_001099222.3, NM_001349928.2, NM_025103.4 and 2 more transcripts); short protein forms L118S.
Identifiers: ClinVar variation 3770703 (VCV003770703.13).